The following is an entry in ClinVar:

ClinVar aggregate classification (germline): Uncertain significance. Review status: criteria provided, multiple submitters, no conflicts (2 of 4 stars). 2 submissions from 2 submitters: Uncertain significance (2). Last evaluated 2026-03-20.

Conditions:
Fanconi anemia (FA). Also called: Fanconi's anemia. Identifiers: Orphanet 84, MedGen C0015625, MeSH D005199, MONDO:0019391.
Inborn genetic diseases. Identifiers: MedGen C0950123, MeSH D030342.

gnomAD v4.1: 1 of 1,608,008 alleles (0.000062%); no homozygotes.

Submissions (2):

Ambry Genetics
Classification: Uncertain significance for Inborn genetic diseases. Last evaluated: 2026-03-20. Review status: criteria provided, single submitter. Criteria: Ambry Variant Classification Scheme 2023. Collection method: clinical testing. Allele origin: germline.
Comment: The p.A2019P variant (also known as c.6055G>C), located in coding exon 23 of the FANCM gene, results from a G to C substitution at nucleotide position 6055. The alanine at codon 2019 is replaced by proline, an amino acid with highly similar properties. This amino acid position is conserved. In addition, the in silico prediction for this alteration is inconclusive. Based on the available evidence, the clinical significance of this variant remains unclear.

Labcorp Genetics (formerly Invitae), Labcorp
Classification: Uncertain significance for Fanconi anemia. Last evaluated: 2020-11-11. Review status: criteria provided, single submitter. Criteria: Invitae Variant Classification Sherloc (09022015). Collection method: clinical testing. Allele origin: germline.
Comment: This variant has not been reported in the literature in individuals with FANCM-related conditions. This variant is not present in population databases (ExAC no frequency). This sequence change replaces alanine with proline at codon 2019 of the FANCM protein (p.Ala2019Pro). The alanine residue is highly conserved and there is a small physicochemical difference between alanine and proline. In summary, the available evidence is currently insufficient to determine the role of this variant in disease. Therefore, it has been classified as a Variant of Uncertain Significance. Algorithms developed to predict the effect of missense changes on protein structure and function are either unavailable or do not agree on the potential impact of this missense change (SIFT: "Deleterious"; PolyPhen-2: "Probably Damaging"; Align-GVGD: "Class C0").

NM_020937.4(FANCM):c.6055G>C (p.Ala2019Pro)

Gene: FANCM (FA complementation group M; plus strand). Cytogenetic location: 14q21.2.
Variant type: single nucleotide variant.
Coding change: c.6055G>C on transcript NM_020937.4 (MANE Select); coding-DNA position 6055, G replaced by C.
Protein change: p.Ala2019Pro; replaces alanine 2019 with proline.
Molecular consequence: missense variant.
Genome position (GRCh38, 1-based): chr14:45,199,916, G>C. VCF-style: chr14-45199916-G-C. GRCh37 (hg19) VCF-style: chr14-45669119-G-C.
Other names: c.5977G>C, p.Ala1993Pro (NM_001308133.2); c.6055G>C (NM_020937.2); short protein forms A2019P, A1993P.
Identifiers: ClinVar variation 1498391 (VCV001498391.9), dbSNP rs1890268255, ClinGen allele CA389588171.